The following is an entry in ClinVar:

ClinVar aggregate classification (germline): Uncertain significance (1 of 4 stars; one submission).

Conditions:
Inborn genetic diseases. Identifiers: MedGen C0950123, MeSH D030342.

gnomAD v4.1: 2 of 1,576,012 alleles (0.00013%); highest among the groups gnomAD compares: Non-Finnish European, 0.00017%; no homozygotes.

Submission:

Ambry Genetics
Classification: Uncertain significance for Inborn genetic diseases. Last evaluated: 2026-03-09. Review status: criteria provided, single submitter. Criteria: Ambry Variant Classification Scheme 2023. Collection method: clinical testing. Allele origin: germline.
Comment: The c.2672G>A (p.R891Q) alteration is located in exon 18 (coding exon 13) of the MYT1L gene. This alteration results from a G to A substitution at nucleotide position 2672, causing the arginine (R) at amino acid position 891 to be replaced by a glutamine (Q). This variant was not reported in population-based cohorts in the Genome Aggregation Database (gnomAD). This amino acid position is highly conserved in available vertebrate species. This missense variant is located in a region that has a low rate of benign missense variation (Lek, 2016; Firth, 2009). This alteration is predicted to be deleterious by in silico analysis. Based on insufficient or conflicting evidence, the clinical significance of this alteration remains unclear.

NM_001303052.2(MYT1L):c.2678G>A (p.Arg893Gln)

Gene: MYT1L (myelin transcription factor 1 like; minus strand). Cytogenetic location: 2p25.3.
Variant type: single nucleotide variant.
Coding change: c.2678G>A on transcript NM_001303052.2 (MANE Select); coding-DNA position 2678, G replaced by A.
Protein change: p.Arg893Gln; replaces arginine 893 with glutamine.
Molecular consequence: missense variant.
Genome position (GRCh38, 1-based): chr2:1,886,572, C>T on the plus strand (G>A on the coding strand, the complement: MYT1L is on the minus strand). VCF-style: chr2-1886572-C-T. GRCh37 (hg19) VCF-style: chr2-1890344-C-T.
Other names: c.2678G>A, p.Arg893Gln (NM_001329844.2, NM_001329845.1, NM_001329851.3); c.2672G>A, p.Arg891Gln (NM_001329846.3, NM_001329847.2, NM_001329848.1 and 3 more transcripts); short protein forms R893Q, R891Q.
Identifiers: ClinVar variation 4840681 (VCV004840681.1).